The following is an entry in ClinVar:

ClinVar aggregate classification (germline): Benign/Likely benign. Review status: criteria provided, multiple submitters, no conflicts (2 of 4 stars). 3 submissions from 3 submitters: Benign (1); Likely benign (2). Last evaluated 2025-02-28.

Conditions:
Mitochondrial complex II deficiency, nuclear type 1. Also called: SUCCINATE CoQ REDUCTASE DEFICIENCY. Identifiers: Orphanet 3208, MedGen C5700310, MONDO:0100294, OMIM 252011.
Pheochromocytoma/paraganglioma syndrome 5. Also called: Paragangliomas 5; SDHA-Related Hereditary Paraganglioma-Pheochromocytoma Syndrome. Identifiers: Orphanet 29072, MedGen C3279992, MONDO:0013602, OMIM 614165.
Hereditary cancer-predisposing syndrome. Also called: Hereditary Cancer Syndrome; Hereditary neoplastic syndrome; Neoplastic Syndromes, Hereditary; Tumor predisposition. Identifiers: Orphanet 140162, MedGen C0027672, MeSH D009386, MONDO:0015356.

Allele frequency attached by ClinVar (database versions not stated): gnomAD exomes 0.00001.
gnomAD v4.1: 16 of 1,612,250 alleles (0.00099%); highest among the groups gnomAD compares: Non-Finnish European, 0.0014%; no homozygotes.

Submissions (3):

Myriad Genetics, Inc.
Classification: Benign for Pheochromocytoma/paraganglioma syndrome 5. Last evaluated: 2025-02-28. Review status: criteria provided, single submitter. Criteria: Myriad Autosomal Dominant, Autosomal Recessive and X-Linked Classification Criteria (2023). Collection method: clinical testing. Allele origin: unknown.
Comment: This variant is considered benign. This variant is a silent/synonymous amino acid change and it is not expected to impact splicing.

Labcorp Genetics (formerly Invitae), Labcorp
Classification: Likely benign for Pheochromocytoma/paraganglioma syndrome 5; Mitochondrial complex II deficiency, nuclear type 1. Last evaluated: 2023-11-25. Review status: criteria provided, single submitter. Criteria: Invitae Variant Classification Sherloc (09022015). Collection method: clinical testing. Allele origin: germline.

Ambry Genetics
Classification: Likely benign for Hereditary cancer-predisposing syndrome. Last evaluated: 2021-03-24. Review status: criteria provided, single submitter. Criteria: Ambry Variant Classification Scheme 2023. Collection method: clinical testing. Allele origin: germline.

NM_004168.4(SDHA):c.318A>T (p.Gly106=)

Gene: SDHA (succinate dehydrogenase complex flavoprotein subunit A; plus strand). Cytogenetic location: 5p15.33.
Variant type: single nucleotide variant.
Coding change: c.318A>T on transcript NM_004168.4 (MANE Select); coding-DNA position 318, A replaced by T.
Protein change: p.Gly106=; no amino-acid change (glycine 106 retained).
Molecular consequence: synonymous variant. On other transcripts: intron variant (1).
Genome position (GRCh38, 1-based): chr5:225,424, A>T. VCF-style: chr5-225424-A-T. GRCh37 (hg19) VCF-style: chr5-225539-A-T.
Other names: c.318A>T, p.Gly106= (NM_001330758.2); c.313-459A>T (NM_001294332.2).
Identifiers: ClinVar variation 1728628 (VCV001728628.6), dbSNP rs2477294028, ClinGen allele CA442690950.